The following is an entry in ClinVar:

ClinVar aggregate classification (germline): Likely benign. Review status: criteria provided, multiple submitters, no conflicts (2 of 4 stars). 2 submissions from 2 submitters: Likely benign (2). Last evaluated 2026-06-26.

Conditions:
CACNA1C-related disorder. Also called: CACNA1C-related disorders; CACNA1C-related condition. Identifiers: MedGen CN381092, MONDO:0700321.

Submissions (2):

PreventionGenetics, part of Exact Sciences
Classification: Likely benign for CACNA1C-related condition. Last evaluated: 2026-06-26. Review status: criteria provided, single submitter. Criteria: ACMG Guidelines, 2015. Collection method: clinical testing. Allele origin: germline.
Comment: This variant is classified as likely benign based on ACMG/AMP sequence variant interpretation guidelines (Richards et al. 2015 PMID: 25741868, with internal and published modifications).

Blueprint Genetics
Classification: Likely benign. Last evaluated: 2022-11-22. Review status: criteria provided, single submitter. Criteria: ACMG Guidelines, 2015. Collection method: clinical testing. Allele origin: germline.

NM_000719.7(CACNA1C):c.2184A>G (p.Leu728=)

Gene: CACNA1C (calcium voltage-gated channel subunit alpha1 C; plus strand). Cytogenetic location: 12p13.33.
Variant type: single nucleotide variant.
Coding change: c.2184A>G on transcript NM_000719.7 (MANE Select); coding-DNA position 2184, A replaced by G.
Protein change: p.Leu728=; no amino-acid change (leucine 728 retained).
Molecular consequence: synonymous variant.
Genome position (GRCh38, 1-based): chr12:2,582,902, A>G. VCF-style: chr12-2582902-A-G. GRCh37 (hg19) VCF-style: chr12-2692068-A-G.
Other names: c.2184A>G, p.Leu728= (NM_001129827.2, NM_001129829.2, NM_001129830.3 and 18 more transcripts); c.2175A>G, p.Leu725= (NM_001129844.2).
Identifiers: ClinVar variation 4915084 (VCV004915084.2).